The following is an entry in ClinVar:

NM_025219.3(DNAJC5):c.*1364C>T

Gene: DNAJC5 (DnaJ heat shock protein family (Hsp40) member C5; plus strand). Cytogenetic location: 20q13.33.
Variant type: single nucleotide variant.
Coding change: c.*1364C>T on transcript NM_025219.3 (MANE Select); 1364 bases downstream of the stop codon, C replaced by T.
Molecular consequence: 3 prime UTR variant.
Genome position (GRCh38, 1-based): chr20:63,932,932, C>T. VCF-style: chr20-63932932-C-T. GRCh37 (hg19) VCF-style: chr20-62564285-C-T.
Identifiers: ClinVar variation 339389 (VCV000339389.7), dbSNP rs61735744, ClinGen allele CA10650214.

ClinVar aggregate classification (germline): Benign/Likely benign. Review status: criteria provided, multiple submitters, no conflicts (2 of 4 stars). 2 submissions from 2 submitters: Benign (1); Likely benign (1). Last evaluated 2021-05-12.

Conditions:
Ceroid lipofuscinosis, neuronal, 4 (Kufs type) (CLN4). Also called: Neuronal ceroid lipofuscinosis 4B; Ceroid lipofuscinosis, neuronal, 4, Parry type. Identifiers: Orphanet 228343, Orphanet 79262, MedGen C1834207, MONDO:0008083, OMIM 162350.

Allele frequency attached by ClinVar (database versions not stated): gnomAD 0.00419 and 0.00449; 1000 Genomes Project 30x 0.00468; TOPMed 0.00493; 1000 Genomes Project 0.00539.

Submissions (2):

GeneDx
Classification: Likely benign. Last evaluated: 2021-05-12. Review status: criteria provided, single submitter. Criteria: GeneDx Variant Classification Process June 2021. Collection method: clinical testing. Allele origin: germline. Affected: yes.

Illumina Laboratory Services, Illumina
Classification: Benign for Ceroid lipofuscinosis, neuronal, 4 (Kufs type). Last evaluated: 2018-01-13. Review status: criteria provided, single submitter. Criteria: ICSL Variant Classification Criteria 13 December 2019. Collection method: clinical testing. Allele origin: germline.
Comment: This variant was observed in the ICSL laboratory as part of a predisposition screen in an ostensibly healthy population. It had not been previously curated by ICSL or reported in the Human Gene Mutation Database (HGMD: prior to June 1st, 2018), and was therefore a candidate for classification through an automated scoring system. Utilizing variant allele frequency, disease prevalence and penetrance estimates, and inheritance mode, an automated score was calculated to assess if this variant is too frequent to cause the disease. Based on the score and internal cut-off values, a variant classified as benign is not then subjected to further curation. The score for this variant resulted in a classification of benign for this disease.